The following is an entry in ClinVar:

ClinVar aggregate classification (germline): Benign. Review status: criteria provided, multiple submitters, no conflicts (2 of 4 stars). 3 submissions from 3 submitters: Benign (3). Last evaluated 2018-07-27.

Conditions:
Dihydropteridine reductase deficiency (HPABH4C). Also called: HYPERPHENYLALANINEMIA, TETRAHYDROBIOPTERIN-DEFICIENT, DUE TO DHPR DEFICIENCY; BH4-Deficient Hyperphenylalaninemia C; Hyperphenylalaninemia due to dihydropteridine reductase deficiency; Hyperphenylalaninemia, BH-4-deficient, C; Phenylketonuria type 2; DHPR DEFICIENCY. Identifiers: Orphanet 226, Orphanet 238583, MedGen C0268465, MONDO:0009862, OMIM 261630.

Allele frequency attached by ClinVar (database versions not stated): 1000 Genomes Project 30x 0.64834; gnomAD exomes 0.68427; TOPMed 0.62929; gnomAD 0.65044 and 0.64635; 1000 Genomes Project 0.65895.
gnomAD v4.1: 390,905 of 579,220 alleles (67%); highest among the groups gnomAD compares: East Asian, 79%; 133,265 homozygotes.

Submissions (3):

GeneDx
Classification: Benign. Last evaluated: 2018-07-27. Review status: criteria provided, single submitter. Criteria: GeneDx Variant Classification Process June 2021. Collection method: clinical testing. Allele origin: germline. Affected: yes.

Illumina Laboratory Services, Illumina
Classification: Benign for Dihydropteridine reductase deficiency. Last evaluated: 2018-01-12. Review status: criteria provided, single submitter. Criteria: ICSL Variant Classification Criteria 13 December 2019. Collection method: clinical testing. Allele origin: germline.
Comment: This variant was observed in the ICSL laboratory as part of a predisposition screen in an ostensibly healthy population. It had not been previously curated by ICSL or reported in the Human Gene Mutation Database (HGMD: prior to June 1st, 2018), and was therefore a candidate for classification through an automated scoring system. Utilizing variant allele frequency, disease prevalence and penetrance estimates, and inheritance mode, an automated score was calculated to assess if this variant is too frequent to cause the disease. Based on the score and internal cut-off values, a variant classified as benign is not then subjected to further curation. The score for this variant resulted in a classification of benign for this disease.

Breakthrough Genomics
Classification: Benign. Review status: criteria provided, single submitter. Criteria: ACMG Guidelines, 2015. Collection method: not provided. Allele origin: germline. Inheritance: Autosomal recessive inheritance. Affected: yes.

NM_000320.3(QDPR):c.*221G>A

Gene: QDPR (quinoid dihydropteridine reductase; minus strand). Cytogenetic location: 4p15.32.
Variant type: single nucleotide variant.
Coding change: c.*221G>A on transcript NM_000320.3 (MANE Select); 221 bases downstream of the stop codon, G replaced by A.
Molecular consequence: 3 prime UTR variant. On other transcripts: non-coding transcript variant (1).
Genome position (GRCh38, 1-based): chr4:17,486,910, C>T on the plus strand (G>A on the coding strand, the complement: QDPR is on the minus strand). VCF-style: chr4-17486910-C-T. GRCh37 (hg19) VCF-style: chr4-17488533-C-T.
Other names: c.*221G>A (NM_001306140.2).
Identifiers: ClinVar variation 348149 (VCV000348149.9), dbSNP rs1049582, ClinGen allele CA10620578.
Genomic context (GRCh38, chr4:17,486,910, plus strand): 5'-CAACATGACACCGCTATAGCAGGTGCTATGCAGAGCCCTCCCTATGCAGTTAACACAGAT[C>T]AACGGATGCTATTTGCAGGCCACCAGTCTCGCATGTCTTTACTTCACATAAATGTATTAC-3'